The following is an entry in ClinVar:

NM_001105206.3(LAMA4):c.200G>A (p.Cys67Tyr)

Gene: LAMA4 (laminin subunit alpha 4; minus strand). Cytogenetic location: 6q21.
Variant type: single nucleotide variant.
Coding change: c.200G>A on transcript NM_001105206.3 (MANE Select); coding-DNA position 200, G replaced by A.
Protein change: p.Cys67Tyr; replaces cysteine 67 with tyrosine.
Molecular consequence: missense variant.
Genome position (GRCh38, 1-based): chr6:112,216,465, C>T on the plus strand (G>A on the coding strand, the complement: LAMA4 is on the minus strand). VCF-style: chr6-112216465-C-T. GRCh37 (hg19) VCF-style: chr6-112537666-C-T.
Other names: c.200G>A, p.Cys67Tyr (NM_001105207.3, NM_002290.5); c.200G>A (NM_002290.3); short protein forms C67Y.
Identifiers: ClinVar variation 1175091 (VCV001175091.7), dbSNP rs1239642838, ClinGen allele CA365518240.
Genomic context (GRCh38, chr6:112,216,465, plus strand): 5'-TTGCCATTACAGTCGCAGGGCACACATTCTCCCGACAGGGTGTGAAAGAATCCAGCATTG[C>T]ATTTCTGCAACAGACACACCAAACCATTTTGATTATTGAAAAGATTGATTTTGGTCAATA-3'
Protein context (NP_001098676.2, residues 57-77): LGRLPPAAEK[Cys67Tyr]NAGFFHTLSG

ClinVar aggregate classification (germline): Uncertain significance. Review status: criteria provided, single submitter (1 of 4 stars). 4 submissions from 4 submitters: Uncertain significance (1). 3 of the submissions do not count toward it. Last evaluated 2025-06-13.

Conditions:
Cardiovascular phenotype. Identifiers: MedGen CN230736.

Allele frequency attached by ClinVar (database versions not stated): gnomAD exomes below 0.00001.
gnomAD v4.1: 3 of 1,609,418 alleles (0.00019%); highest among the groups gnomAD compares: Non-Finnish European, 0.00026%; no homozygotes.

Submissions (4):

Ambry Genetics
Classification: Uncertain significance for Cardiovascular phenotype. Last evaluated: 2025-06-13. Review status: criteria provided, single submitter. Criteria: Ambry Variant Classification Scheme 2023. Collection method: clinical testing. Allele origin: germline.
Comment: The p.C67Y variant (also known as c.200G>A), located in coding exon 2 of the LAMA4 gene, results from a G to A substitution at nucleotide position 200. The cysteine at codon 67 is replaced by tyrosine, an amino acid with highly dissimilar properties. This amino acid position is highly conserved in available vertebrate species. In addition, this alteration is predicted to be deleterious by in silico analysis. The evidence for this gene-disease relationship is limited; therefore, the clinical significance of this alteration is unclear.

Clinical Genetics DNA and cytogenetics Diagnostics Lab, Erasmus MC, Erasmus Medical Center
Classification: Uncertain significance. Review status: no assertion criteria provided. Collection method: clinical testing. Allele origin: germline. Affected: yes. Study: VKGL Data-share Consensus. Not counted in ClinVar's aggregate classification.

Clinical Genetics, Academic Medical Center
Classification: Uncertain significance. Review status: no assertion criteria provided. Collection method: clinical testing. Allele origin: germline. Affected: yes. Study: VKGL Data-share Consensus. Not counted in ClinVar's aggregate classification.

Diagnostic Laboratory, Department of Genetics, University Medical Center Groningen
Classification: Uncertain significance. Review status: no assertion criteria provided. Collection method: clinical testing. Allele origin: germline. Affected: yes. Study: VKGL Data-share Consensus. Not counted in ClinVar's aggregate classification.